The following is an entry in ClinVar:

ClinVar aggregate classification (germline): Uncertain significance (1 of 4 stars; one submission).

Conditions:
Sulfite oxidase deficiency due to molybdenum cofactor deficiency type A. Also called: Molybdenum cofactor deficiency, complementation group A; Molybdenum Cofactor Deficiency A. Identifiers: Orphanet 308386, Orphanet 833, MedGen C1854988, MONDO:0009643, OMIM 252150.

gnomAD v4.1: 4 of 1,612,736 alleles (0.00025%); highest among the groups gnomAD compares: Non-Finnish European, 0.00034%; no homozygotes.

Submission:

Labcorp Genetics (formerly Invitae), Labcorp
Classification: Uncertain significance for Sulfite oxidase deficiency due to molybdenum cofactor deficiency type A. Last evaluated: 2022-07-15. Review status: criteria provided, single submitter. Criteria: Invitae Variant Classification Sherloc (09022015). Collection method: clinical testing. Allele origin: germline.
Comment: This sequence change replaces alanine, which is neutral and non-polar, with serine, which is neutral and polar, at codon 111 of the MOCS1 protein (p.Ala111Ser). This variant is present in population databases (rs200517455, gnomAD 0.003%). This variant has not been reported in the literature in individuals affected with MOCS1-related conditions. Algorithms developed to predict the effect of missense changes on protein structure and function output the following: SIFT: "Not Available"; PolyPhen-2: "Benign"; Align-GVGD: "Not Available". The serine amino acid residue is found in multiple mammalian species, which suggests that this missense change does not adversely affect protein function. In summary, the available evidence is currently insufficient to determine the role of this variant in disease. Therefore, it has been classified as a Variant of Uncertain Significance.

NM_001358530.2(MOCS1):c.331G>T (p.Ala111Ser)

Gene: MOCS1 (molybdenum cofactor synthesis 1; minus strand). Cytogenetic location: 6p21.2.
Variant type: single nucleotide variant.
Coding change: c.331G>T on transcript NM_001358530.2 (MANE Select); coding-DNA position 331, G replaced by T.
Protein change: p.Ala111Ser; replaces alanine 111 with serine.
Molecular consequence: missense variant. On other transcripts: non-coding transcript variant (1).
Genome position (GRCh38, 1-based): chr6:39,925,765, C>A on the plus strand (G>T on the coding strand, the complement: MOCS1 is on the minus strand). VCF-style: chr6-39925765-C-A. GRCh37 (hg19) VCF-style: chr6-39893509-C-A.
Other names: c.331G>T, p.Ala111Ser (NM_001075098.4, NM_001358529.2, NM_005943.6); c.70G>T, p.Ala24Ser (NM_001358531.2, NM_001358533.2, NM_001358534.2); short protein forms A24S, A111S.
Identifiers: ClinVar variation 2131021 (VCV002131021.1), dbSNP rs200517455, ClinGen allele CA3796343.